The following is an entry in ClinVar:

ClinVar aggregate classification (germline): Uncertain significance (1 of 4 stars; one submission).

Conditions:
GM1 gangliosidosis. Identifiers: Orphanet 354, MedGen C0085131, MONDO:0018149.
Mucopolysaccharidosis, MPS-IV-B (MPS4B). Also called: MORQUIO SYNDROME B; Mucopolysaccharidosis Type IVB (Morquio B Disease); Mucopolysaccharidosis type 4B; Mucopolysaccharidosis type IVB (Morquio); MPS IVB; Mucopolysaccharidosis type IV B. Identifiers: Orphanet 309310, Orphanet 582, MedGen C0086652, MONDO:0009660, OMIM 253010.

Allele frequency attached by ClinVar (database versions not stated): TOPMed below 0.00001; gnomAD 0.00001; gnomAD exomes 0.00001 and 0.00002; ExAC 0.00002.
gnomAD v4.1: 17 of 1,610,662 alleles (0.0011%); highest among the groups gnomAD compares: South Asian, 0.018%; no homozygotes.

Submission:

Labcorp Genetics (formerly Invitae), Labcorp
Classification: Uncertain significance for Mucopolysaccharidosis, MPS-IV-B; GM1 gangliosidosis. Last evaluated: 2021-07-14. Review status: criteria provided, single submitter. Criteria: Invitae Variant Classification Sherloc (09022015). Collection method: clinical testing. Allele origin: germline.
Comment: This sequence change falls in intron 11 of the GLB1 gene. It does not directly change the encoded amino acid sequence of the GLB1 protein. It affects a nucleotide within the consensus splice site of the intron. This variant is present in population databases (rs759517360, ExAC 0.02%). This variant has not been reported in the literature in individuals affected with GLB1-related conditions. Nucleotide substitutions within the consensus splice site are a relatively common cause of aberrant splicing (PMID: 17576681, 9536098). Algorithms developed to predict the effect of sequence changes on RNA splicing suggest that this variant may disrupt the consensus splice site. In summary, the available evidence is currently insufficient to determine the role of this variant in disease. Therefore, it has been classified as a Variant of Uncertain Significance.

Literature cited by the submitters: PubMed 17576681; PubMed 9536098.

NM_000404.4(GLB1):c.1143+3A>C

Gene: GLB1 (galactosidase beta 1; minus strand). Cytogenetic location: 3p22.3.
Variant type: single nucleotide variant.
Coding change: c.1143+3A>C on transcript NM_000404.4 (MANE Select); 3 bases into the intron after coding-DNA position 1143, A replaced by C.
Molecular consequence: intron variant.
Genome position (GRCh38, 1-based): chr3:33,024,248, T>G on the plus strand (A>C on the coding strand, the complement: GLB1 is on the minus strand). VCF-style: chr3-33024248-T-G. GRCh37 (hg19) VCF-style: chr3-33065740-T-G.
Other names: c.1143+3A>C (NM_001393580.1); c.750+3A>C (NM_001135602.3); c.1287+3A>C (NM_001317040.2); c.1053+3A>C (NM_001079811.3).
Identifiers: ClinVar variation 1430958 (VCV001430958.3), dbSNP rs759517360, ClinGen allele CA2299496.
Genomic context (GRCh38, chr3:33,024,248, plus strand): 5'-CTAAATTCCACTTTCTCACTCCCATCTCTCACTTTCAAAGTTTCTGTTATTTTTTTTTCT[T>G]ACCTTTTCCAAAGTGACCTTTCCATATGCAAACTTTGGTGTAGATGGAGGGATAGGACCT-3'